The following is an entry in ClinVar:

ClinVar aggregate classification (germline): Pathogenic/Likely pathogenic. Review status: criteria provided, multiple submitters, no conflicts (2 of 4 stars). 10 submissions from 10 submitters: Pathogenic (5); Likely pathogenic (4). 1 of the submissions does not count toward it. Last evaluated 2026-01-26.

Conditions:
Syndromic intellectual disability. Also called: Intellectual disability syndrome. Identifiers: Orphanet 183763, MedGen C5680525, MONDO:0000508.
MTSS1L-related disorders.
MTSS2-related neurodevelopmental disorder.
Intellectual developmental disorder with ocular anomalies and distinctive facial features (IDDOF). Identifiers: MedGen C5774238, MONDO:0859303, OMIM 620086.

Allele frequency attached by ClinVar (database versions not stated): TOPMed below 0.00001.

Submissions (10):

Medical and Scientific Branch, Hong Kong Genome Institute
Classification: Likely pathogenic for Intellectual developmental disorder with ocular anomalies and distinctive facial features. Last evaluated: 2026-01-26. Review status: criteria provided, single submitter. Criteria: ACMG Guidelines, 2015. Collection method: clinical testing. Allele origin: de novo. Affected: yes.

Ambry Genetics
Classification: Pathogenic. Last evaluated: 2025-03-12. Review status: criteria provided, single submitter. Criteria: Ambry Variant Classification Scheme 2023. Collection method: clinical testing. Allele origin: germline.
Comment: The c.2011C>T (p.R671W) alteration is located in exon 15 (coding exon 15) of the MTSS2 gene. This alteration results from a C to T substitution at nucleotide position 2011, causing the arginine (R) at amino acid position 671 to be replaced by a tryptophan (W). This variant was not reported in population-based cohorts in the Genome Aggregation Database (gnomAD). This variant was reported de novo in multiple individuals with features consistent with MTSS2-related neurodevelopmental disorder (Huang, 2022). This amino acid position is highly conserved in available vertebrate species. In an assay testing MTSS2 function, this variant showed a functionally abnormal result (Huang, 2022). This alteration is predicted to be tolerated by in silico analysis. Based on the available evidence, this alteration is classified as pathogenic.

Victorian Clinical Genetics Services, Murdoch Childrens Research Institute
Classification: Pathogenic for Intellectual developmental disorder with ocular anomalies and distinctive facial features. Last evaluated: 2024-10-09. Review status: criteria provided, single submitter. Criteria: ACMG Guidelines, 2015. Collection method: clinical testing. Allele origin: germline. Inheritance: Autosomal dominant inheritance. Affected: yes.
Comment: Based on the classification scheme VCGS_Germline_v1.3.5, this variant is classified as Pathogenic. Following criteria are met: 0105 - The mechanism of disease for this gene is not clearly established. Rescue experiments in drosophila demostrated that p.(Arg671Trp) had decreased rescue compared to wildtype, suggesting partial loss of function. However, over-expression of p.(Arg671Trp) in drosophila led to similar defects observed by loss of the MTSS2 fly ortholog mim, suggesting a dominant negative or gain of function effect (PMID: 36067766). (I) 0107 - This gene is associated with autosomal dominant disease. (I) 0200 - Variant is predicted to result in a missense amino acid change from arginine to tryptophan. (I) 0251 - This variant is heterozygous. (I) 0302 - Variant is present in gnomAD (v4) <0.001 for a dominant condition (2 heterozygotes, 0 homozygotes). (SP) 0309 - An alternative amino acid change at the same position has been observed in gnomAD (v4: 92 heterozygotes, 0 homozygotes). (I) 0502 - Missense variant with conflicting in silico predictions and moderate conservation. (I) 0604 - Variant is not located in an established domain, motif, hotspot or informative constraint region. (I) 0801 - This variant has strong previous evidence of pathogenicity in unrelated individuals. This variant has been classified as likely pathogenic and pathogenic by multiple clinical laboratories in ClinVar, as well as a VUS entry. This variant has also been observed as de novo in five individuals with MTSS2-related symptoms (PMID: 36067766). (SP) 1208 - Inheritance information for this variant is not currently available in this individual. (I) Legend: (SP) - Supporting pathogenic, (I) - Information, (SB) - Supporting benign

Blueprint Genetics
Classification: Pathogenic for MTSS1L-related disorders. Last evaluated: 2024-10-08. Review status: criteria provided, single submitter. Criteria: ACMG Guidelines, 2015. Collection method: clinical testing. Allele origin: germline. Affected: yes. Observed: 3 variant alleles.

CeGaT Center for Human Genetics Tuebingen
Classification: Pathogenic. Last evaluated: 2024-04-01. Review status: criteria provided, single submitter. Criteria: CeGaT Center For Human Genetics Tuebingen Variant Classification Criteria Version 2. Collection method: clinical testing. Allele origin: germline. Affected: yes. Observed: 1 variant allele.
Comment: MTSS2: PS2:Very Strong, PM2, PS4:Moderate, PS3:Supporting

3billion
Classification: Pathogenic for Intellectual developmental disorder with ocular anomalies and distinctive facial features. Last evaluated: 2024-03-07. Review status: criteria provided, single submitter. Criteria: ACMG Guidelines, 2015. Collection method: clinical testing. Allele origin: germline. Affected: yes.
Comment: The variant is not observed in the gnomAD v2.1.1 dataset. Predicted Consequence/Location: Missense changes are a common disease-causing mechanism. Functional studies provide moderate evidence of the variant having a damaging effect on the gene or gene product (PMID: 36067766). Same nucleotide change resulting in same amino acid change has been previously reported as pathogenic/likely pathogenic with strong evidence (ClinVar ID: VCV000977756 /PMID: 36067766 /3billion dataset). The variant has been previously reported as de novo in at least two similarly affected unrelated individuals (PMID: 36067766, 36067766). Therefore, this variant is classified as Pathogenic according to the recommendation of ACMG/AMP guideline.

Genetics and Molecular Pathology, SA Pathology
Classification: Likely pathogenic for Syndromic intellectual disability. Last evaluated: 2022-09-13. Review status: criteria provided, single submitter. Criteria: ACMG Guidelines, 2015. Collection method: clinical testing. Allele origin: germline. Affected: yes.

Undiagnosed Diseases Network, NIH
Classification: Likely pathogenic for MTSS2-related neurodevelopmental disorder. Last evaluated: 2020-04-27. Review status: criteria provided, single submitter. Criteria: ACMG Guidelines, 2015. Collection method: clinical testing. Allele origin: de novo. Inheritance: Autosomal dominant inheritance. Affected: yes. Observed: 1 variant allele, 1 heterozygote. Study: Undiagnosed Diseases Network (NIH), UDN.

Kasturba Medical College, Manipal, Kasturba Medical College, Manipal, Manipal Academy of Higher Education, Manipal, India
Classification: Likely pathogenic for Intellectual developmental disorder with ocular anomalies and distinctive facial features. Review status: criteria provided, single submitter. Criteria: ACMG Guidelines, 2015. Collection method: research. Allele origin: de novo. Inheritance: Autosomal dominant inheritance. Affected: yes. Observed: 1 heterozygote.
Comment: This variant is present in heterozygous state in 2 individuals in the gnomAD (v4.1.0) population database and absent in our in-house data of 3550 exomes. Recently, ten individuals (age ranging from 14 month to 42 years) from ten unrelated families have been noted to have the recurrent de novo variant c.2011C>T in MTSS2 associated with developmental delay (particularly affecting language skills), mild intellectual disability, microcephaly, non-specific brain Imaging findings and facial dysmorphism. Other features were hypotonia, psychiatric disorders, generalized febrile or afebrile seizures with generalized epileptic anomalies on EEG, growth delay, skeletal anomalies, feeding difficulties (particularly affecting chewing), and poor coordination. Rare manifestations included hearing loss, ocular, gastrointestinal, genitourinary, and cardiovascular anomalies. (Huang Y, et al., 2022; Corona-Rivera JR et al., 2023; Dominicis A, et al., 2025).

OMIM
Classification: Pathogenic for INTELLECTUAL DEVELOPMENTAL DISORDER WITH OCULAR ANOMALIES AND DISTINCTIVE FACIAL FEATURES. Last evaluated: 2022-10-21. Review status: no assertion criteria provided. Collection method: literature only. Allele origin: germline. Not counted in ClinVar's aggregate classification.

Literature cited by the submitters: PubMed 36067766 (cited by 4 submitters); PubMed 36332614 (cited by Kasturba Medical College, Manipal, Kasturba Medical College, Manipal, Manipal Academy of Higher Education, Manipal, India); PubMed 37657631 (cited by Kasturba Medical College, Manipal, Kasturba Medical College, Manipal, Manipal Academy of Higher Education, Manipal, India); PubMed 39890443 (cited by Kasturba Medical College, Manipal, Kasturba Medical College, Manipal, Manipal Academy of Higher Education, Manipal, India).

NM_138383.3(MTSS2):c.2011C>T (p.Arg671Trp)

Gene: MTSS2 (MTSS I-BAR domain containing 2; minus strand). Cytogenetic location: 16q22.1.
Variant type: single nucleotide variant.
Coding change: c.2011C>T on transcript NM_138383.3 (MANE Select); coding-DNA position 2011, C replaced by T.
Protein change: p.Arg671Trp; replaces arginine 671 with tryptophan.
Molecular consequence: missense variant.
Genome position (GRCh38, 1-based): chr16:70,663,910, G>A on the plus strand (C>T on the coding strand, the complement: MTSS2 is on the minus strand). VCF-style: chr16-70663910-G-A. GRCh37 (hg19) VCF-style: chr16-70697813-G-A.
Other names: short protein forms R671W.
Identifiers: ClinVar variation 977756 (VCV000977756.34), dbSNP rs753688777, ClinGen allele CA283508188.